The following is an entry in ClinVar:

ClinVar aggregate classification (germline): Uncertain significance (1 of 4 stars; one submission).

Conditions:
Inborn genetic diseases. Identifiers: MedGen C0950123, MeSH D030342.

Allele frequency attached by ClinVar (database versions not stated): gnomAD exomes below 0.00001.
gnomAD v4.1: 1 of 1,614,122 alleles (0.000062%); highest among the groups gnomAD compares: Middle Eastern, 0.016%; no homozygotes.

Submission:

Ambry Genetics
Classification: Uncertain significance for Inborn genetic diseases. Last evaluated: 2023-07-11. Review status: criteria provided, single submitter. Criteria: Ambry Variant Classification Scheme 2023. Collection method: clinical testing. Allele origin: germline.
Comment: The p.R2235T variant (also known as c.6704G>C), located in coding exon 45 of the LRRK2 gene, results from a G to C substitution at nucleotide position 6704. The arginine at codon 2235 is replaced by threonine, an amino acid with similar properties. This amino acid position is conserved. In addition, this alteration is predicted to be tolerated by in silico analysis. Since supporting evidence is limited at this time, the clinical significance of this alteration remains unclear.

NM_198578.4(LRRK2):c.6704G>C (p.Arg2235Thr)

Gene: LRRK2 (leucine rich repeat kinase 2; plus strand). Cytogenetic location: 12q12.
Variant type: single nucleotide variant.
Coding change: c.6704G>C on transcript NM_198578.4 (MANE Select); coding-DNA position 6704, G replaced by C.
Protein change: p.Arg2235Thr; replaces arginine 2235 with threonine.
Molecular consequence: missense variant.
Genome position (GRCh38, 1-based): chr12:40,354,426, G>C. VCF-style: chr12-40354426-G-C. GRCh37 (hg19) VCF-style: chr12-40748228-G-C.
Other names: short protein forms R2235T.
Identifiers: ClinVar variation 2608758 (VCV002608758.2), dbSNP rs1177319531, ClinGen allele CA384409381.